The following is an entry in ClinVar:

NM_001783.4(CD79A):c.198G>A (p.Trp66Ter)

Genes: CD79A (CD79a molecule; plus strand), RPS19-CD79A (RPS19-CD79A readthrough; plus strand). Cytogenetic location: 19q13.2.
Variant type: single nucleotide variant.
Coding change: c.198G>A on transcript NM_001783.4 (MANE Select); coding-DNA position 198, G replaced by A.
Protein change: p.Trp66Ter; replaces tryptophan 66 with a stop codon.
Molecular consequence: nonsense.
Genome position (GRCh38, 1-based): chr19:41,879,108, G>A. VCF-style: chr19-41879108-G-A. GRCh37 (hg19) VCF-style: chr19-42383178-G-A.
Other names: c.198G>A, p.Trp66Ter (NM_021601.4); short protein forms W66*.
Identifiers: ClinVar variation 570771 (VCV000570771.6), dbSNP rs1568801716, ClinGen allele CA406034322.

ClinVar aggregate classification (germline): Pathogenic (1 of 4 stars; one submission).

Conditions:
Agammaglobulinemia 3, autosomal recessive (AGM3). Also called: AGAMMAGLOBULINEMIA 3; AGAMMAGLOBULINEMIA, AUTOSOMAL RECESSIVE, DUE TO CD79A DEFECT. Identifiers: MedGen C3150751, MONDO:0013288, OMIM 613501.

Submission:

Labcorp Genetics (formerly Invitae), Labcorp
Classification: Pathogenic for Agammaglobulinemia 3, autosomal recessive. Last evaluated: 2018-04-17. Review status: criteria provided, single submitter. Criteria: Invitae Variant Classification Sherloc (09022015). Collection method: clinical testing. Allele origin: germline.
Comment: For these reasons, this variant has been classified as Pathogenic. Loss-of-function variants in CD79A are known to be pathogenic (PMID: 10525050, 24481606). This variant has not been reported in the literature in individuals with CD79A-related disease. This variant is not present in population databases (ExAC no frequency). This sequence change creates a premature translational stop signal (p.Trp66*) in the CD79A gene. It is expected to result in an absent or disrupted protein product.

Literature cited by the submitters: PubMed 10525050; PubMed 24481606.